The following is an entry in ClinVar:

NM_177550.5(SLC13A5):c.1679G>A (p.Trp560Ter)

Gene: SLC13A5 (solute carrier family 13 member 5; minus strand). Cytogenetic location: 17p13.1.
Variant type: single nucleotide variant.
Coding change: c.1679G>A on transcript NM_177550.5 (MANE Select); coding-DNA position 1679, G replaced by A.
Protein change: p.Trp560Ter; replaces tryptophan 560 with a stop codon.
Molecular consequence: nonsense.
Genome position (GRCh38, 1-based): chr17:6,686,235, C>T on the plus strand (G>A on the coding strand, the complement: SLC13A5 is on the minus strand). VCF-style: chr17-6686235-C-T. GRCh37 (hg19) VCF-style: chr17-6589554-C-T.
Other names: c.1541G>A, p.Trp514Ter (NM_001143838.3); c.1628G>A, p.Trp543Ter (NM_001284509.2); c.1550G>A, p.Trp517Ter (NM_001284510.2); short protein forms W514*, W517*, W543*, W560*.
Identifiers: ClinVar variation 4883368 (VCV004883368.2).
Genomic context (GRCh38, chr17:6,686,235, plus strand): 5'-TAAGGGCTGTGTGTGTGGTCTTGTGGCTCTTCCTAAGTCTCAATATGTGTCACATTAGCC[C>T]AGTCAGGGAAATGATCCAAGTCAAATATGGCCCGTCCCCAGGTGTTGACAGCCAAAAACA-3'

ClinVar aggregate classification (germline): Uncertain significance (1 of 4 stars; one submission).

Conditions:
Developmental and epileptic encephalopathy, 25 (DEE25). Also called: Epileptic encephalopathy, early infantile, 25; Developmental and epileptic encephalopathy 25, with amelogenesis imperfecta; Epileptic encephalopathy, early infantile, 25, with amelogenesis imperfecta. Identifiers: Orphanet 442835, MedGen C4014621, MONDO:0014392, OMIM 615905.

Submission:

Dasa
Classification: Uncertain significance for Developmental and epileptic encephalopathy, 25. Last evaluated: 2025-11-19. Review status: criteria provided, single submitter. Criteria: DASA Assertion Criteria. Collection method: clinical testing. Allele origin: germline.
Comment: NM_177550.5(SLC13A5):c.1679G>A (p.Trp560*) is a nonsense variant in SLC13A5 predicted to introduce a premature termination codon and is predicted to result in an absent or altered protein product. This variant is absent from population databases. The currently available literature and clinical evidence are not sufficient to establish a definitive association between this variant and the reported condition. Therefore, this variant is classified as a variant of uncertain significance.